The following is an entry in ClinVar:

NM_003823.4(TNFRSF6B):c.737C>A (p.Pro246Gln)

Genes: RTEL1-TNFRSF6B (RTEL1-TNFRSF6B readthrough (NMD candidate); plus strand), TNFRSF6B (TNF receptor superfamily member 6b; plus strand). Cytogenetic location: 20q13.33.
Variant type: single nucleotide variant.
Coding change: c.737C>A on transcript NM_003823.4 (MANE Select); coding-DNA position 737, C replaced by A.
Protein change: p.Pro246Gln; replaces proline 246 with glutamine.
Molecular consequence: missense variant. On other transcripts: non-coding transcript variant (1).
Genome position (GRCh38, 1-based): chr20:63,698,397, C>A. VCF-style: chr20-63698397-C-A. GRCh37 (hg19) VCF-style: chr20-62329750-C-A.
Other names: short protein forms P246Q.
Identifiers: ClinVar variation 2706895 (VCV002706895.3), dbSNP rs767342806, ClinGen allele CA9966586.

ClinVar aggregate classification (germline): Uncertain significance (1 of 4 stars; one submission).

Submission:

Labcorp Genetics (formerly Invitae), Labcorp
Classification: Uncertain significance. Last evaluated: 2024-01-01. Review status: criteria provided, single submitter. Criteria: Invitae Variant Classification Sherloc (09022015). Collection method: clinical testing. Allele origin: germline.
Comment: This sequence change replaces proline, which is neutral and non-polar, with glutamine, which is neutral and polar, at codon 246 of the TNFRSF6B protein (p.Pro246Gln). This variant is not present in population databases (gnomAD no frequency). This variant has not been reported in the literature in individuals affected with TNFRSF6B-related conditions. Algorithms developed to predict the effect of missense changes on protein structure and function output the following: SIFT: "Not Available"; PolyPhen-2: "Benign"; Align-GVGD: "Not Available". The glutamine amino acid residue is found in multiple mammalian species, which suggests that this missense change does not adversely affect protein function. In summary, the available evidence is currently insufficient to determine the role of this variant in disease. Therefore, it has been classified as a Variant of Uncertain Significance.